The following is an entry in ClinVar:

ClinVar aggregate classification (germline): Uncertain significance. Review status: criteria provided, multiple submitters, no conflicts (2 of 4 stars). 2 submissions from 2 submitters: Uncertain significance (2). Last evaluated 2024-10-31.

Conditions:
Hereditary nonpolyposis colorectal neoplasms. Identifiers: MedGen C0009405, MeSH D003123.
Hereditary cancer-predisposing syndrome. Also called: Neoplastic Syndromes, Hereditary; Tumor predisposition; Hereditary Cancer Syndrome; Hereditary neoplastic syndrome. Identifiers: Orphanet 140162, MedGen C0027672, MeSH D009386, MONDO:0015356.

Allele frequency attached by ClinVar (database versions not stated): gnomAD exomes below 0.00001; TOPMed below 0.00001; gnomAD 0.00001.
gnomAD v4.1: 2 of 1,613,090 alleles (0.00012%); highest among the groups gnomAD compares: Non-Finnish European, 0.00017%; no homozygotes.

Submissions (2):

Labcorp Genetics (formerly Invitae), Labcorp
Classification: Uncertain significance for Hereditary nonpolyposis colorectal neoplasms. Last evaluated: 2024-10-31. Review status: criteria provided, single submitter. Criteria: Invitae Variant Classification Sherloc (09022015). Collection method: clinical testing. Allele origin: germline.
Comment: This sequence change replaces methionine, which is neutral and non-polar, with threonine, which is neutral and polar, at codon 844 of the MSH6 protein (p.Met844Thr). This variant is not present in population databases (gnomAD no frequency). This missense change has been observed in individual(s) with clinical features of MSH6-related conditions (PMID: 24710284). ClinVar contains an entry for this variant (Variation ID: 483764). Invitae Evidence Modeling of protein sequence and biophysical properties (such as structural, functional, and spatial information, amino acid conservation, physicochemical variation, residue mobility, and thermodynamic stability) indicates that this missense variant is not expected to disrupt MSH6 protein function with a negative predictive value of 95%. In summary, the available evidence is currently insufficient to determine the role of this variant in disease. Therefore, it has been classified as a Variant of Uncertain Significance.

Ambry Genetics
Classification: Uncertain significance for Hereditary cancer-predisposing syndrome. Last evaluated: 2023-09-25. Review status: criteria provided, single submitter. Criteria: Ambry Variant Classification Scheme 2023. Collection method: clinical testing. Allele origin: germline.
Comment: The p.M844T variant (also known as c.2531T>C), located in coding exon 4 of the MSH6 gene, results from a T to C substitution at nucleotide position 2531. The methionine at codon 844 is replaced by threonine, an amino acid with similar properties. This alteration was detected in 1/59 unrelated families from Singapore who met Amsterdam I or II criteria for Lynch syndrome, and it was classified as a variant of uncertain significance (Liu Y et al. PLoS ONE, 2014 Apr;9:e94170). This amino acid position is not well conserved in available vertebrate species. In addition, the in silico prediction for this alteration is inconclusive. Since supporting evidence is limited at this time, the clinical significance of this alteration remains unclear.

Literature cited by the submitters: PubMed 24710284 (cited by Labcorp Genetics (formerly Invitae), Labcorp and Ambry Genetics).

NM_000179.3(MSH6):c.2531T>C (p.Met844Thr)

Gene: MSH6 (mutS homolog 6; plus strand). Cytogenetic location: 2p16.3.
Variant type: single nucleotide variant.
Coding change: c.2531T>C on transcript NM_000179.3 (MANE Select); coding-DNA position 2531, T replaced by C.
Protein change: p.Met844Thr; replaces methionine 844 with threonine.
Molecular consequence: missense variant.
Genome position (GRCh38, 1-based): chr2:47,800,514, T>C. VCF-style: chr2-47800514-T-C. GRCh37 (hg19) VCF-style: chr2-48027653-T-C.
Other names: c.2141T>C, p.Met714Thr (NM_001281492.2); c.1625T>C, p.Met542Thr (NM_001281493.2, NM_001281494.2); short protein forms M844T, M542T, M714T.
Identifiers: ClinVar variation 483764 (VCV000483764.7), dbSNP rs1206693577, ClinGen allele CA346754448.
Genomic context (GRCh38, chr2:47,800,514, plus strand): 5'-AAATTCATAATGTTGGGTCTCCCCTGAAGAGTCAGAACCACCCAGACAGCAGGGCTATAA[T>C]GTATGAAGAAACTACATACAGCAAGAAGAAGATTATTGATTTTCTTTCTGCTCTGGAAGG-3'
Protein context (NP_000170.1, residues 834-854): SQNHPDSRAI[Met844Thr]YEETTYSKKK